The following is an entry in ClinVar:

NM_024757.5(EHMT1):c.2675T>C (p.Leu892Pro)

Gene: EHMT1 (euchromatic histone lysine methyltransferase 1; plus strand). Cytogenetic location: 9q34.3.
Variant type: single nucleotide variant.
Coding change: c.2675T>C on transcript NM_024757.5 (MANE Select); coding-DNA position 2675, T replaced by C.
Protein change: p.Leu892Pro; replaces leucine 892 with proline.
Molecular consequence: missense variant.
Genome position (GRCh38, 1-based): chr9:137,800,947, T>C. VCF-style: chr9-137800947-T-C. GRCh37 (hg19) VCF-style: chr9-140695399-T-C.
Other names: c.2654T>C, p.Leu885Pro (NM_001354263.2); short protein forms L885P, L892P.
Identifiers: ClinVar variation 3378399 (VCV003378399.2).

ClinVar aggregate classification (germline): Likely pathogenic (1 of 4 stars; one submission).

Conditions:
Kleefstra syndrome 1 (KLEFS1). Identifiers: Orphanet 261494, MedGen C0795833, MONDO:0027407, OMIM 610253.

Submission:

Institute of Human Genetics, University of Goettingen
Classification: Likely pathogenic for Kleefstra syndrome 1. Last evaluated: 2024-11-17. Review status: criteria provided, single submitter. Criteria: ACMG Guidelines, 2015. Collection method: clinical testing. Allele origin: de novo. Inheritance: Sporadic. Affected: yes. Observed: 1 heterozygote.
Comment: The variant c.2675T>C (p.(Leu892Pro)) in exon 18 of the EHMT1-gene is not found in the gnomAD database, it affects a highly conserved nucleotide, and a highly conserved amino acid and there is a moderate physicochemical difference between Leu and Pro. This variant has a pathogenic computational verdict based on in silico prediction algorithms. Another amino acid exchange at the same position (p.Leu892Arg) is already listed as (probably) pathogenic in the ClinVar and LOVD3 databases (Variation ID: 3236899, DB-ID: EHMT1_000100) ACMG criteria used for classification: PS2, PM2_SUP, PM5_SUP, PP3_MOD.